The following is an entry in ClinVar:

ClinVar aggregate classification (germline): Likely benign. Review status: reviewed by expert panel (3 of 4 stars). 2 submissions from 2 submitters: Likely benign (1). 1 of the submissions does not count toward it. Last evaluated 2017-06-29.

Conditions:
Hereditary breast ovarian cancer syndrome. Also called: Hereditary breast and ovarian cancer; Breast and ovarian cancer; BRCA1- and BRCA2-Associated Hereditary Breast and Ovarian Cancer; Hereditary breast and ovarian cancer syndrome; Hereditary breast and ovarian cancer syndrome (HBOC); Hereditary breast and/or ovarian cancer syndrome. Identifiers: Orphanet 145, MedGen C0677776, MeSH D061325, MONDO:0003582. Disease mechanism: loss of function.
Breast-ovarian cancer, familial, susceptibility to, 2 (BROVCA2). Also called: BRCA2 Hereditary Breast and Ovarian Cancer. Identifiers: Orphanet 145, MedGen C2675520, MONDO:0012933, OMIM 612555. Disease mechanism: loss of function.

Submissions (2):

Evidence-based Network for the Interpretation of Germline Mutant Alleles (ENIGMA)
Classification: Likely benign for Breast-ovarian cancer, familial, susceptibility to, 2. Last evaluated: 2017-06-29. Review status: reviewed by expert panel. Criteria: ENIGMA BRCA1/2 Classification Criteria (2017-06-29). Collection method: curation. Allele origin: germline.
Comment: Synonymous substitution variant, with low bioinformatic likelihood to result in a splicing aberration (Splicing prior probability 0.02).

Labcorp Genetics (formerly Invitae), Labcorp
Classification: Likely benign for Hereditary breast ovarian cancer syndrome. Last evaluated: 2025-04-11. Review status: criteria provided, single submitter. Criteria: Invitae Variant Classification Sherloc (09022015). Collection method: clinical testing. Allele origin: germline. Not counted in ClinVar's aggregate classification.

NM_000059.4(BRCA2):c.4713G>A (p.Glu1571=)

Gene: BRCA2 (BRCA2 DNA repair associated; plus strand). Cytogenetic location: 13q13.1.
Variant type: single nucleotide variant.
Coding change: c.4713G>A on transcript NM_000059.4 (MANE Select); coding-DNA position 4713, G replaced by A.
Protein change: p.Glu1571=; no amino-acid change (glutamic acid 1571 retained).
Molecular consequence: synonymous variant.
Genome position (GRCh38, 1-based): chr13:32,339,068, G>A. VCF-style: chr13-32339068-G-A. GRCh37 (hg19) VCF-style: chr13-32913205-G-A.
Identifiers: ClinVar variation 236872 (VCV000236872.13), dbSNP rs431825322, ClinGen allele CA10583108.
Genomic context (GRCh38, chr13:32,339,068, plus strand): 5'-AGGTACTAGTGAAATCACCAGTTTTAGCCATCAATGGGCAAAGACCCTAAAGTACAGAGA[G>A]GCCTGTAAAGACCTTGAATTAGCATGTGAGACCATTGAGATCACAGCTGCCCCAAAGTGT-3'
Protein context (NP_000050.3, residues 1561-1581): HQWAKTLKYR[Glu1571=]ACKDLELACE